The following is an entry in ClinVar:

NM_199420.4(POLQ):c.2614G>A (p.Glu872Lys)

Gene: POLQ (DNA polymerase theta; minus strand). Cytogenetic location: 3q13.33.
Variant type: single nucleotide variant.
Coding change: c.2614G>A on transcript NM_199420.4 (MANE Select); coding-DNA position 2614, G replaced by A.
Protein change: p.Glu872Lys; replaces glutamic acid 872 with lysine.
Molecular consequence: missense variant.
Genome position (GRCh38, 1-based): chr3:121,490,317, C>T on the plus strand (G>A on the coding strand, the complement: POLQ is on the minus strand). VCF-style: chr3-121490317-C-T. GRCh37 (hg19) VCF-style: chr3-121209164-C-T.
Other names: short protein forms E872K.
Identifiers: ClinVar variation 1793843 (VCV001793843.3), dbSNP rs2546788467, ClinGen allele CA354105591.
Genomic context (GRCh38, chr3:121,490,317, plus strand): 5'-CTAAGTCCTGCTGCAGAATCATTCTGGCTTCTTCCACTATAAGGGCTGCTGCTTCCCTTT[C>T]AGTTAAACCTTTTCTGCCAGTCACCCAGATAGTTCGCATATTGCGACGTTCTTCAACTGC-3'
Protein context (NP_955452.3, residues 862-882): IWVTGRKGLT[Glu872Lys]REAAALIVEE

ClinVar aggregate classification (germline): Uncertain significance (1 of 4 stars; one submission).

Allele frequency attached by ClinVar (database versions not stated): gnomAD exomes below 0.00001.
gnomAD v4.1: 1 of 1,614,234 alleles (0.000062%); highest among the groups gnomAD compares: Non-Finnish European, 0.000085%; no homozygotes.

Submission:

Ambry Genetics
Classification: Uncertain significance. Last evaluated: 2024-10-18. Review status: criteria provided, single submitter. Criteria: Ambry Variant Classification Scheme 2023. Collection method: clinical testing. Allele origin: germline.
Comment: The p.E872K variant (also known as c.2614G>A), located in coding exon 16 of the POLQ gene, results from a G to A substitution at nucleotide position 2614. The glutamic acid at codon 872 is replaced by lysine, an amino acid with similar properties. This amino acid position is conserved. In addition, this alteration is predicted to be tolerated by in silico analysis. Since supporting evidence is limited at this time, the clinical significance of this alteration remains unclear.